The following is an entry in ClinVar:

ClinVar aggregate classification (germline): Pathogenic (1 of 4 stars; one submission).

Conditions:
Charcot-Marie-Tooth disease type 4. Also called: Charcot-Marie-Tooth, Type 4; Charcot-Marie-Tooth disease, type IV. Identifiers: Orphanet 64749, MedGen C4082197, MONDO:0018995.

Submission:

Labcorp Genetics (formerly Invitae), Labcorp
Classification: Pathogenic for Charcot-Marie-Tooth disease type 4. Last evaluated: 2023-05-04. Review status: criteria provided, single submitter. Criteria: Invitae Variant Classification Sherloc (09022015). Collection method: clinical testing. Allele origin: germline.
Comment: This variant has not been reported in the literature in individuals affected with SH3TC2-related conditions. For these reasons, this variant has been classified as Pathogenic. ClinVar contains an entry for this variant (Variation ID: 843467). This variant is not present in population databases (gnomAD no frequency). This sequence change creates a premature translational stop signal (p.Ser669Leufs*8) in the SH3TC2 gene. It is expected to result in an absent or disrupted protein product. Loss-of-function variants in SH3TC2 are known to be pathogenic (PMID: 20220177, 27068304).

Literature cited by the submitters: PubMed 20220177; PubMed 27068304.

NM_024577.4(SH3TC2):c.2004del (p.Ser669fs)

Gene: SH3TC2 (SH3 domain and tetratricopeptide repeats 2; minus strand). Cytogenetic location: 5q32.
Variant type: Deletion.
Coding change: c.2004del on transcript NM_024577.4 (MANE Select); coding-DNA position 2004, one base deleted (C; older notation c.2004delC).
Protein change: p.Ser669fs; shifts the reading frame from serine 669.
Molecular consequence: frameshift variant.
Genome position (GRCh38, 1-based): chr5:149,027,728, G deleted on the plus strand (C on the coding strand, the reverse complement: SH3TC2 is on the minus strand); the first of 2 consecutive G bases (chr5:149,027,728-149,027,729); deleting either gives the same sequence. VCF-style (leftmost placement, unchanged base first): chr5-149027727-AG-A. GRCh37 (hg19) VCF-style: chr5-148407290-AG-A.
Other names: short protein forms S669fs.
Identifiers: ClinVar variation 843467 (VCV000843467.7), dbSNP rs1754097044, ClinGen allele CA916080359.